The following is an entry in ClinVar:

NM_004360.5(CDH1):c.1137+20G>A

Gene: CDH1 (cadherin 1; plus strand). Cytogenetic location: 16q22.1.
Variant type: single nucleotide variant.
Coding change: c.1137+20G>A on transcript NM_004360.5 (MANE Select); 20 bases into the intron after coding-DNA position 1137, G replaced by A.
Molecular consequence: intron variant.
Genome position (GRCh38, 1-based): chr16:68,812,283, G>A. VCF-style: chr16-68812283-G-A. GRCh37 (hg19) VCF-style: chr16-68846186-G-A.
Other names: c.1137+20G>A (LRG_301t1, NM_001317184.2); c.-479+20G>A (NM_001317185.2); c.-683+20G>A (NM_001317186.2).
Identifiers: ClinVar variation 388401 (VCV000388401.11), dbSNP rs34210985, ClinGen allele CA8129999.

ClinVar aggregate classification (germline): Likely benign. Review status: criteria provided, multiple submitters, no conflicts (2 of 4 stars). 3 submissions from 3 submitters: Likely benign (3). Last evaluated 2025-10-25.

Conditions:
Hereditary cancer-predisposing syndrome. Also called: Neoplastic Syndromes, Hereditary; Hereditary neoplastic syndrome; Tumor predisposition; Hereditary Cancer Syndrome. Identifiers: Orphanet 140162, MedGen C0027672, MeSH D009386, MONDO:0015356.
Hereditary diffuse gastric adenocarcinoma (HDGC). Also called: DIFFUSE GASTRIC AND LOBULAR BREAST CANCER SYNDROME. Identifiers: Orphanet 26106, MedGen C1708349, MONDO:0007648, OMIM 137215.

Allele frequency attached by ClinVar (database versions not stated): ExAC 0.00002; gnomAD exomes 0.00002; gnomAD 0.00004 and 0.00005; TOPMed 0.00006; 1000 Genomes Project 0.00020; 1000 Genomes Project 30x 0.00031.
gnomAD v4.1: 14 of 1,613,644 alleles (0.00087%); highest among the groups gnomAD compares: Admixed American, 0.005%; no homozygotes.

Submissions (3):

Labcorp Genetics (formerly Invitae), Labcorp
Classification: Likely benign for Hereditary diffuse gastric adenocarcinoma. Last evaluated: 2025-10-25. Review status: criteria provided, single submitter. Criteria: Invitae Variant Classification Sherloc (09022015). Collection method: clinical testing. Allele origin: germline.

Color Diagnostics, LLC DBA Color Health
Classification: Likely benign for Hereditary cancer-predisposing syndrome. Last evaluated: 2017-10-29. Review status: criteria provided, single submitter. Criteria: ACMG Guidelines, 2015. Collection method: clinical testing. Allele origin: germline.

GeneDx
Classification: Likely benign. Last evaluated: 2016-08-04. Review status: criteria provided, single submitter. Criteria: GeneDx Variant Classification (06012015). Collection method: clinical testing. Allele origin: germline. Affected: yes.
Comment: This variant is considered likely benign or benign based on one or more of the following criteria: it is a conservative change, it occurs at a poorly conserved position in the protein, it is predicted to be benign by multiple in silico algorithms, and/or has population frequency not consistent with disease.